The following is an entry in ClinVar:

ClinVar aggregate classification (germline): Pathogenic (1 of 4 stars; one submission).

Submission:

Labcorp Genetics (formerly Invitae), Labcorp
Classification: Pathogenic. Last evaluated: 2025-07-09. Review status: criteria provided, single submitter. Criteria: Invitae Variant Classification Sherloc (09022015). Collection method: clinical testing. Allele origin: germline.
Comment: This sequence change creates a premature translational stop signal (p.Val420Serfs*34) in the SKIV2L gene. It is expected to result in an absent or disrupted protein product. Loss-of-function variants in SKIV2L are known to be pathogenic (PMID: 22444670). This variant is not present in population databases (gnomAD no frequency). This variant has not been reported in the literature in individuals affected with SKIV2L-related conditions. For these reasons, this variant has been classified as Pathogenic.

Literature cited by the submitters: PubMed 22444670.

NM_006929.5(SKIC2):c.1258del (p.Val420fs)

Genes: SKIC2 (SKI2 subunit of superkiller complex; plus strand), LOC126859653 (CDK7 strongly-dependent group 2 enhancer GRCh37_chr6:31929542-31930741; plus strand). Cytogenetic location: 6p21.33.
Variant type: Deletion.
Coding change: c.1258del on transcript NM_006929.5 (MANE Select); coding-DNA position 1258, one base deleted (G; older notation c.1258delG).
Protein change: p.Val420fs; shifts the reading frame from valine 420.
Molecular consequence: frameshift variant.
Genome position (GRCh38, 1-based): chr6:31,962,760, G deleted; the last of 3 consecutive G bases (chr6:31,962,758-31,962,760); deleting any one gives the same sequence. VCF-style (leftmost placement, unchanged base first): chr6-31962757-TG-T. GRCh37 (hg19) VCF-style: chr6-31930534-TG-T.
Other names: short protein forms V420fs.
Identifiers: ClinVar variation 4767811 (VCV004767811.1).
Genomic context (GRCh38, chr6:31,962,757, plus strand): 5'-TGGCCTCTTCTCCCCAGCTCCATGCTGTACAGTGGCTCAGATGTTATTCGGGACCTGGAG[TG>T]GGTCATCTTTGATGAGGTTCACTATATCAACGATGTCGAGGTAAGGGCCATGGGCTCCCC-3'